The following is an entry in ClinVar:

ClinVar aggregate classification (germline): Conflicting classifications of pathogenicity. Review status: criteria provided, conflicting classifications (1 of 4 stars). 3 submissions from 3 submitters: Uncertain significance (2); Likely benign (1). Last evaluated 2024-04-25.

Allele frequency attached by ClinVar (database versions not stated): gnomAD exomes below 0.00001; TOPMed 0.00002; gnomAD 0.00003.
gnomAD v4.1: 5 of 1,613,566 alleles (0.00031%); highest among the groups gnomAD compares: African/African-American, 0.0067%; no homozygotes.

Submissions (3):

GeneDx
Classification: Uncertain significance. Last evaluated: 2024-04-25. Review status: criteria provided, single submitter. Criteria: GeneDx Variant Classification Process June 2021. Collection method: clinical testing. Allele origin: germline. Affected: yes.
Comment: Not observed at significant frequency in large population cohorts (gnomAD); In silico analysis indicates that this missense variant does not alter protein structure/function; Has not been previously published as pathogenic or benign to our knowledge

Labcorp Genetics (formerly Invitae), Labcorp
Classification: Likely benign. Last evaluated: 2024-01-19. Review status: criteria provided, single submitter. Criteria: Invitae Variant Classification Sherloc (09022015). Collection method: clinical testing. Allele origin: germline.

Blueprint Genetics
Classification: Uncertain significance. Last evaluated: 2018-09-17. Review status: criteria provided, single submitter. Criteria: ACMG Guidelines, 2015. Collection method: clinical testing. Allele origin: germline.

NM_032119.4(ADGRV1):c.11687T>A (p.Met3896Lys)

Gene: ADGRV1 (adhesion G protein-coupled receptor V1; plus strand). Cytogenetic location: 5q14.3.
Variant type: single nucleotide variant.
Coding change: c.11687T>A on transcript NM_032119.4 (MANE Select); coding-DNA position 11687, T replaced by A.
Protein change: p.Met3896Lys; replaces methionine 3896 with lysine.
Molecular consequence: missense variant. On other transcripts: non-coding transcript variant (1).
Genome position (GRCh38, 1-based): chr5:90,756,560, T>A. VCF-style: chr5-90756560-T-A. GRCh37 (hg19) VCF-style: chr5-90052377-T-A.
Other names: short protein forms M3896K.
Identifiers: ClinVar variation 946709 (VCV000946709.9), dbSNP rs1246088013, ClinGen allele CA360369550.
Genomic context (GRCh38, chr5:90,756,560, plus strand): 5'-AGGTGAACCTGGTGAACTCTGACTTCTCTACAGGACAGCCAAGTGTGCGGAGGCCCGGAA[T>A]GGAAATAGCTGAGATAATGATAGAAGAAAATGACGATCCCAGAGGAATTTTTATGTTTCA-3'
Protein context (NP_115495.3, residues 3886-3906): TGQPSVRRPG[Met3896Lys]EIAEIMIEEN